The following is an entry in ClinVar:

ClinVar aggregate classification (germline): Uncertain significance (1 of 4 stars; one submission).

Allele frequency attached by ClinVar (database versions not stated): gnomAD exomes below 0.00001.

Submission:

Labcorp Genetics (formerly Invitae), Labcorp
Classification: Uncertain significance. Last evaluated: 2023-08-27. Review status: criteria provided, single submitter. Criteria: Invitae Variant Classification Sherloc (09022015). Collection method: clinical testing. Allele origin: germline.
Comment: This sequence change replaces isoleucine, which is neutral and non-polar, with methionine, which is neutral and non-polar, at codon 1192 of the LAMA5 protein (p.Ile1192Met). This variant is not present in population databases (gnomAD no frequency). This variant has not been reported in the literature in individuals affected with LAMA5-related conditions. Algorithms developed to predict the effect of missense changes on protein structure and function output the following: SIFT: "Not Available"; PolyPhen-2: "Benign"; Align-GVGD: "Not Available". The methionine amino acid residue is found in multiple mammalian species, which suggests that this missense change does not adversely affect protein function. In summary, the available evidence is currently insufficient to determine the role of this variant in disease. Therefore, it has been classified as a Variant of Uncertain Significance.

NM_005560.6(LAMA5):c.3576T>G (p.Ile1192Met)

Gene: LAMA5 (laminin subunit alpha 5; minus strand). Cytogenetic location: 20q13.33.
Variant type: single nucleotide variant.
Coding change: c.3576T>G on transcript NM_005560.6 (MANE Select); coding-DNA position 3576, T replaced by G.
Protein change: p.Ile1192Met; replaces isoleucine 1192 with methionine.
Molecular consequence: missense variant.
Genome position (GRCh38, 1-based): chr20:62,331,106, A>C on the plus strand (T>G on the coding strand, the complement: LAMA5 is on the minus strand). VCF-style: chr20-62331106-A-C. GRCh37 (hg19) VCF-style: chr20-60906162-A-C.
Other names: short protein forms I1192M.
Identifiers: ClinVar variation 2799521 (VCV002799521.3), dbSNP rs2516095057, ClinGen allele CA409567685.